The following is an entry in ClinVar:

ClinVar aggregate classification (germline): Likely benign. Review status: criteria provided, multiple submitters, no conflicts (2 of 4 stars). 6 submissions from 6 submitters: Likely benign (5). 1 of the submissions does not count toward it. Last evaluated 2026-03-01.

Conditions:
Inborn genetic diseases. Identifiers: MedGen C0950123, MeSH D030342.
Familial hemiplegic migraine. Identifiers: MedGen C0338484, MONDO:0000700.
ATP1A2-related disorder. Also called: ATP1A2-RELATED DISORDERS; ATP1A2-related condition.

Allele frequency attached by ClinVar (database versions not stated): ExAC 0.00005; gnomAD 0.00005; gnomAD exomes 0.00005 and 0.00006; TOPMed 0.00005.
gnomAD v4.1: 87 of 1,611,466 alleles (0.0054%); highest among the groups gnomAD compares: Middle Eastern, 0.033%; 1 homozygote.

Submissions (6):

CeGaT Center for Human Genetics Tuebingen
Classification: Likely benign. Last evaluated: 2026-03-01. Review status: criteria provided, single submitter. Criteria: CeGaT Center For Human Genetics Tuebingen Variant Classification Criteria Version 2. Collection method: clinical testing. Allele origin: germline. Affected: yes. Observed: 2 variant alleles.
Comment: ATP1A2: BP4, BP7

Labcorp Genetics (formerly Invitae), Labcorp
Classification: Likely benign for Familial hemiplegic migraine. Last evaluated: 2025-09-27. Review status: criteria provided, single submitter. Criteria: Invitae Variant Classification Sherloc (09022015). Collection method: clinical testing. Allele origin: germline.

Blueprint Genetics
Classification: Likely benign. Last evaluated: 2024-09-09. Review status: criteria provided, single submitter. Criteria: ACMG Guidelines, 2015. Collection method: clinical testing. Allele origin: germline.

GeneDx
Classification: Likely benign. Last evaluated: 2021-04-09. Review status: criteria provided, single submitter. Criteria: GeneDx Variant Classification Process June 2021. Collection method: clinical testing. Allele origin: germline. Affected: yes.

Ambry Genetics
Classification: Likely benign for Inborn genetic diseases. Last evaluated: 2018-07-27. Review status: criteria provided, single submitter. Criteria: Ambry Variant Classification Scheme 2023. Collection method: clinical testing. Allele origin: germline.

PreventionGenetics, part of Exact Sciences
Classification: Likely benign for ATP1A2-related condition. Last evaluated: 2019-03-20. Review status: no assertion criteria provided. Collection method: clinical testing. Allele origin: germline. Not counted in ClinVar's aggregate classification.
Comment: This variant is classified as likely benign based on ACMG/AMP sequence variant interpretation guidelines (Richards et al. 2015 PMID: 25741868, with internal and published modifications).

NM_000702.4(ATP1A2):c.987C>T (p.Asn329=)

Gene: ATP1A2 (ATPase Na+/K+ transporting subunit alpha 2; plus strand). Cytogenetic location: 1q23.2.
Variant type: single nucleotide variant.
Coding change: c.987C>T on transcript NM_000702.4 (MANE Select); coding-DNA position 987, C replaced by T.
Protein change: p.Asn329=; no amino-acid change (asparagine 329 retained).
Molecular consequence: synonymous variant.
Genome position (GRCh38, 1-based): chr1:160,127,790, C>T. VCF-style: chr1-160127790-C-T. GRCh37 (hg19) VCF-style: chr1-160097580-C-T.
Identifiers: ClinVar variation 377525 (VCV000377525.42), dbSNP rs770381135, ClinGen allele CA1194314.